The following is an entry in ClinVar:

NM_000384.3(APOB):c.9498G>C (p.Lys3166Asn)

Gene: APOB (apolipoprotein B; minus strand). Cytogenetic location: 2p24.1.
Variant type: single nucleotide variant.
Coding change: c.9498G>C on transcript NM_000384.3 (MANE Select); coding-DNA position 9498, G replaced by C.
Protein change: p.Lys3166Asn; replaces lysine 3166 with asparagine.
Molecular consequence: missense variant.
Genome position (GRCh38, 1-based): chr2:21,007,370, C>G on the plus strand (G>C on the coding strand, the complement: APOB is on the minus strand). VCF-style: chr2-21007370-C-G. GRCh37 (hg19) VCF-style: chr2-21230242-C-G.
Other names: short protein forms K3166N.
Identifiers: ClinVar variation 1721490 (VCV001721490.10), dbSNP rs2465362872, ClinGen allele CA345989769.
Genomic context (GRCh38, chr2:21,007,370, plus strand): 5'-GATGGAATGCCTGTGTTTGTTTTTCTTATACTGAGCTTTTACACTTAAATCAAATGATTG[C>G]TTTGTCGTTTTCAAGAATTCCTTCAAGCCTGTTTTTTCCCATAGAGAGAAATCTTTCAGT-3'
Protein context (NP_000375.3, residues 3156-3176): TGLKEFLKTT[Lys3166Asn]QSFDLSVKAQ

ClinVar aggregate classification (germline): Uncertain significance. Review status: criteria provided, multiple submitters, no conflicts (2 of 4 stars). 3 submissions from 3 submitters: Uncertain significance (3). Last evaluated 2025-10-21.

Conditions:
Familial hypobetalipoproteinemia 1. Also called: APOB-Related Familial Hypobetalipoproteinemia; Hypobetalipoproteinemia, normotriglyceridemic; Acanthocytosis with hypobetalipoproteinemia. Identifiers: MedGen C4551990, MONDO:0014252, OMIM 615558.
Hypercholesterolemia, autosomal dominant, type B (FHCL2). Also called: Hyperlipoproteinemia Type IIb; Familial hypercholesterolemia 2; Familial Hypercholesterolemia Type B; APOLIPOPROTEIN B-100, FAMILIAL DEFECTIVE; APOLIPOPROTEIN B-100, FAMILIAL LIGAND-DEFECTIVE; HYPERCHOLESTEROLEMIA, FAMILIAL, DUE TO LIGAND-DEFECTIVE APOLIPOPROTEIN B. Identifiers: MedGen C1704417, MONDO:0007751, OMIM 144010.
Cardiovascular phenotype. Identifiers: MedGen CN230736.

Submissions (3):

Labcorp Genetics (formerly Invitae), Labcorp
Classification: Uncertain significance for Familial hypobetalipoproteinemia 1; Hypercholesterolemia, autosomal dominant, type B. Last evaluated: 2025-10-21. Review status: criteria provided, single submitter. Criteria: Invitae Variant Classification Sherloc (09022015). Collection method: clinical testing. Allele origin: germline.
Comment: This sequence change replaces lysine, which is basic and polar, with asparagine, which is neutral and polar, at codon 3166 of the APOB protein (p.Lys3166Asn). This variant is not present in population databases (gnomAD no frequency). This variant has not been reported in the literature in individuals affected with APOB-related conditions. ClinVar contains an entry for this variant (Variation ID: 1721490). Invitae Evidence Modeling of protein sequence and biophysical properties (such as structural, functional, and spatial information, amino acid conservation, physicochemical variation, residue mobility, and thermodynamic stability) indicates that this missense variant is not expected to disrupt APOB protein function with a negative predictive value of 95%. In summary, the available evidence is currently insufficient to determine the role of this variant in disease. Therefore, it has been classified as a Variant of Uncertain Significance.

Ambry Genetics
Classification: Uncertain significance for Cardiovascular phenotype. Last evaluated: 2025-02-11. Review status: criteria provided, single submitter. Criteria: Ambry Variant Classification Scheme 2023. Collection method: clinical testing. Allele origin: germline.
Comment: The p.K3166N variant (also known as c.9498G>C), located in coding exon 26 of the APOB gene, results from a G to C substitution at nucleotide position 9498. The lysine at codon 3166 is replaced by asparagine, an amino acid with similar properties. This variant was reported in individual(s) with features consistent with familial hypercholesterolemia (FH) (Ambry internal data). This amino acid position is not well conserved in available vertebrate species. In addition, this alteration is predicted to be tolerated by in silico analysis. Based on the available evidence, the clinical significance of this variant remains unclear for APOB-related familial hypercholesterolemia; however, it is unlikely to be causative of APOB-related hypobetalipoproteinemia.

GeneDx
Classification: Uncertain significance. Last evaluated: 2024-01-05. Review status: criteria provided, single submitter. Criteria: GeneDx Variant Classification Process June 2021. Collection method: clinical testing. Allele origin: germline. Affected: yes.
Comment: Has not been previously published as pathogenic or benign to our knowledge; Not observed at significant frequency in large population cohorts (gnomAD); In silico analysis supports that this missense variant has a deleterious effect on protein structure/function; Also known as p.(K3139N)